The following is an entry in ClinVar:

ClinVar aggregate classification (germline): not provided (0 of 4 stars; one submission).

Allele frequency attached by ClinVar (database versions not stated): gnomAD exomes 0.00005 and 0.00023; gnomAD 0.00006 and 0.00007; TOPMed 0.00014; ExAC 0.00015.
gnomAD v4.1: 82 of 1,513,016 alleles (0.0054%); highest among the groups gnomAD compares: Admixed American, 0.14%; no homozygotes.

Submission:

ITMI
No classification provided. Condition: AllHighlyPenetrant. Last evaluated: 2013-09-19. Review status: no classification provided. Collection method: reference population. Allele origin: germline.
Comment: Please see associated publication for description of ethnicities

Literature cited by the submitters: PubMed 24728327.

NM_001405607.1(PBRM1):c.998A>G (p.Asn333Ser)

Gene: PBRM1 (polybromo 1; minus strand). Cytogenetic location: 3p21.1.
Variant type: single nucleotide variant.
Coding change: c.998A>G on transcript NM_001405607.1 (MANE Select); coding-DNA position 998, A replaced by G.
Protein change: p.Asn333Ser; replaces asparagine 333 with serine.
Molecular consequence: missense variant. On other transcripts: 5 prime UTR variant (2), non-coding transcript variant (2), intron variant (2).
Genome position (GRCh38, 1-based): chr3:52,642,043, T>C on the plus strand (A>G on the coding strand, the complement: PBRM1 is on the minus strand). VCF-style: chr3-52642043-T-C. GRCh37 (hg19) VCF-style: chr3-52676059-T-C.
Other names: c.1061A>G, p.Asn354Ser (NM_001350074.2, NM_001350076.2, NM_001350078.2 and 8 more transcripts); c.998A>G, p.Asn333Ser (NM_001350075.2, NM_001394867.1, NM_001394868.1 and 77 more transcripts); c.1052A>G, p.Asn351Ser (NM_001350077.2, NM_001366073.2, NM_001394870.1 and 3 more transcripts); c.1049A>G, p.Asn350Ser (NM_001366074.2); c.956A>G, p.Asn319Ser (NM_001366076.2); c.962A>G, p.Asn321Ser (NM_001394878.1); c.902A>G, p.Asn301Ser (NM_001394879.1, NM_001400487.1, NM_001405572.1 and 8 more transcripts); c.1100A>G, p.Asn367Ser (NM_001405552.1); and 11 more; short protein forms N333S, N319S, N351S, N350S, N354S, N271S, N285S, N294S.
Identifiers: ClinVar variation 135005 (VCV000135005.1), dbSNP rs547790173, ClinGen allele CA161376.